The following is an entry in ClinVar:

ClinVar aggregate classification (germline): Uncertain significance (1 of 4 stars; one submission).

gnomAD v4.1: 2 of 1,609,474 alleles (0.00012%); highest among the groups gnomAD compares: Non-Finnish European, 0.00017%; no homozygotes.

Submission:

Labcorp Genetics (formerly Invitae), Labcorp
Classification: Uncertain significance. Last evaluated: 2025-05-22. Review status: criteria provided, single submitter. Criteria: Invitae Variant Classification Sherloc (09022015). Collection method: clinical testing. Allele origin: germline.
Comment: This sequence change replaces aspartic acid, which is acidic and polar, with glycine, which is neutral and non-polar, at codon 710 of the PACS2 protein (p.Asp710Gly). This variant is not present in population databases (gnomAD no frequency). This variant has not been reported in the literature in individuals affected with PACS2-related conditions. Invitae Evidence Modeling of protein sequence and biophysical properties (such as structural, functional, and spatial information, amino acid conservation, physicochemical variation, residue mobility, and thermodynamic stability) indicates that this missense variant is not expected to disrupt PACS2 protein function with a negative predictive value of 80%. Algorithms developed to predict the effect of sequence changes on RNA splicing suggest that this variant may disrupt the consensus splice site. In summary, the available evidence is currently insufficient to determine the role of this variant in disease. Therefore, it has been classified as a Variant of Uncertain Significance.

NM_001100913.3(PACS2):c.2129A>G (p.Asp710Gly)

Gene: PACS2 (phosphofurin acidic cluster sorting protein 2; plus strand). Cytogenetic location: 14q32.33.
Variant type: single nucleotide variant.
Coding change: c.2129A>G on transcript NM_001100913.3 (MANE Select); coding-DNA position 2129, A replaced by G.
Protein change: p.Asp710Gly; replaces aspartic acid 710 with glycine.
Molecular consequence: missense variant.
Genome position (GRCh38, 1-based): chr14:105,391,640, A>G. VCF-style: chr14-105391640-A-G. GRCh37 (hg19) VCF-style: chr14-105857977-A-G.
Other names: c.1859A>G, p.Asp620Gly (NM_001243127.3); c.2084A>G, p.Asp695Gly (NM_015197.4); short protein forms D620G, D695G, D710G.
Identifiers: ClinVar variation 4808628 (VCV004808628.1).